The following is an entry in ClinVar:

NM_002519.3(NPAT):c.2381A>C (p.Glu794Ala)

Gene: NPAT (nuclear protein, coactivator of histone transcription; minus strand). Cytogenetic location: 11q22.3.
Variant type: single nucleotide variant.
Coding change: c.2381A>C on transcript NM_002519.3 (MANE Select); coding-DNA position 2381, A replaced by C.
Protein change: p.Glu794Ala; replaces glutamic acid 794 with alanine.
Molecular consequence: missense variant.
Genome position (GRCh38, 1-based): chr11:108,172,603, T>G on the plus strand (A>C on the coding strand, the complement: NPAT is on the minus strand). VCF-style: chr11-108172603-T-G. GRCh37 (hg19) VCF-style: chr11-108043330-T-G.
Other names: c.2381A>C, p.Glu794Ala (NM_001321307.1); short protein forms E794A.
Identifiers: ClinVar variation 1790447 (VCV001790447.2), dbSNP rs2496717469, ClinGen allele CA382513100.

ClinVar aggregate classification (germline): Uncertain significance (1 of 4 stars; one submission).

Submission:

Ambry Genetics
Classification: Uncertain significance. Last evaluated: 2022-04-19. Review status: criteria provided, single submitter. Criteria: Ambry Variant Classification Scheme 2023. Collection method: clinical testing. Allele origin: germline.
Comment: The p.E794A variant (also known as c.2381A>C), located in coding exon 13 of the NPAT gene, results from an A to C substitution at nucleotide position 2381. The glutamic acid at codon 794 is replaced by alanine, an amino acid with dissimilar properties. This amino acid position is conserved. In addition, this alteration is predicted to be tolerated by in silico analysis. Since supporting evidence is limited at this time, the clinical significance of this alteration remains unclear.